The following is an entry in ClinVar:

NM_022482.5(GZF1):c.49del (p.Leu17fs)

Gene: GZF1 (GDNF inducible zinc finger protein 1; plus strand). Cytogenetic location: 20p11.21.
Variant type: Deletion.
Coding change: c.49del on transcript NM_022482.5 (MANE Select); coding-DNA position 49, one base deleted (C; older notation c.49delC).
Protein change: p.Leu17fs; shifts the reading frame from leucine 17.
Molecular consequence: frameshift variant.
Genome position (GRCh38, 1-based): chr20:23,364,432, C deleted; the last of 2 consecutive C bases (chr20:23,364,431-23,364,432); deleting either gives the same sequence. VCF-style (leftmost placement, unchanged base first): chr20-23364430-AC-A. GRCh37 (hg19) VCF-style: chr20-23345067-AC-A.
Other names: c.49del, p.Leu17fs (NM_001317012.2, NM_001317019.1); short protein forms L17fs.
Identifiers: ClinVar variation 2841879 (VCV002841879.3), dbSNP rs2514890513, ClinGen allele CA2739277087.

ClinVar aggregate classification (germline): Pathogenic (1 of 4 stars; one submission).

Submission:

Labcorp Genetics (formerly Invitae), Labcorp
Classification: Pathogenic. Last evaluated: 2023-03-01. Review status: criteria provided, single submitter. Criteria: Invitae Variant Classification Sherloc (09022015). Collection method: clinical testing. Allele origin: germline.
Comment: This sequence change creates a premature translational stop signal (p.Leu17Tyrfs*17) in the GZF1 gene. It is expected to result in an absent or disrupted protein product. Loss-of-function variants in GZF1 are known to be pathogenic (PMID: 28475863). This variant is not present in population databases (gnomAD no frequency). This variant has not been reported in the literature in individuals affected with GZF1-related conditions. For these reasons, this variant has been classified as Pathogenic.

Literature cited by the submitters: PubMed 28475863.